The following is an entry in ClinVar:

NM_032578.4(MYPN):c.3660-276G>A

Gene: MYPN (myopalladin; plus strand). Cytogenetic location: 10q21.3.
Variant type: single nucleotide variant.
Coding change: c.3660-276G>A on transcript NM_032578.4 (MANE Select); 276 bases into the intron before coding-DNA position 3660, G replaced by A.
Molecular consequence: intron variant.
Genome position (GRCh38, 1-based): chr10:68,206,494, G>A. VCF-style: chr10-68206494-G-A. GRCh37 (hg19) VCF-style: chr10-69966251-G-A.
Other names: c.3660-276G>A (NM_001256267.2); c.2778-276G>A (NM_001256268.2).
Identifiers: ClinVar variation 669884 (VCV000669884.1), dbSNP rs3814184, ClinGen allele CA13222938.

ClinVar aggregate classification (germline): Benign (1 of 4 stars; one submission).

Allele frequency attached by ClinVar (database versions not stated): 1000 Genomes Project 0.13219; 1000 Genomes Project 30x 0.13257; TOPMed 0.13623; gnomAD 0.13667 and 0.13927.
gnomAD v4.1: 21,347 of 152,128 alleles (14%); highest among the groups gnomAD compares: Admixed American, 20%; 1,986 homozygotes.

Submission:

GeneDx
Classification: Benign. Last evaluated: 2018-06-14. Review status: criteria provided, single submitter. Criteria: GeneDx Variant Classification (06012015). Collection method: clinical testing. Allele origin: germline. Affected: yes.
Comment: This variant is considered likely benign or benign based on one or more of the following criteria: it is a conservative change, it occurs at a poorly conserved position in the protein, it is predicted to be benign by multiple in silico algorithms, and/or has population frequency not consistent with disease.